The following is an entry in ClinVar:

NM_004655.4(AXIN2):c.1712+9C>G

Gene: AXIN2 (axin 2; minus strand). Cytogenetic location: 17q24.1.
Variant type: single nucleotide variant.
Coding change: c.1712+9C>G on transcript NM_004655.4 (MANE Select); 9 bases into the intron after coding-DNA position 1712, C replaced by G.
Molecular consequence: intron variant.
Genome position (GRCh38, 1-based): chr17:65,537,315, G>C on the plus strand (C>G on the coding strand, the complement: AXIN2 is on the minus strand). VCF-style: chr17-65537315-G-C. GRCh37 (hg19) VCF-style: chr17-63533433-G-C.
Other names: c.1712+9C>G (NM_001363813.1).
Identifiers: ClinVar variation 3379176 (VCV003379176.2).

ClinVar aggregate classification (germline): Likely benign. Review status: criteria provided, multiple submitters, no conflicts (2 of 4 stars). 2 submissions from 2 submitters: Likely benign (2). Last evaluated 2025-06-17.

Conditions:
Oligodontia-cancer predisposition syndrome. Also called: TOOTH AGENESIS-COLORECTAL CANCER SYNDROME. Identifiers: Orphanet 300576, MedGen C1837750, MONDO:0012075, OMIM 608615. Disease mechanism: loss of function.

Submissions (2):

Labcorp Genetics (formerly Invitae), Labcorp
Classification: Likely benign for Oligodontia-cancer predisposition syndrome. Last evaluated: 2025-06-17. Review status: criteria provided, single submitter. Criteria: Invitae Variant Classification Sherloc (09022015). Collection method: clinical testing. Allele origin: germline.

Myriad Genetics, Inc.
Classification: Likely benign for Oligodontia-cancer predisposition syndrome. Last evaluated: 2024-07-08. Review status: criteria provided, single submitter. Criteria: Myriad Autosomal Dominant, Autosomal Recessive and X-Linked Classification Criteria (2023). Collection method: clinical testing. Allele origin: unknown.
Comment: This variant is considered likely benign. This variant is intronic and is not expected to impact mRNA splicing.